The following is an entry in ClinVar:

ClinVar aggregate classification (germline): Benign. Review status: criteria provided, multiple submitters, no conflicts (2 of 4 stars). 5 submissions from 5 submitters: Benign (4). 1 of the submissions does not count toward it. Last evaluated 2018-01-12.

Conditions:
Fanconi anemia complementation group C (FANCC). Also called: Fanconi anemia, group C; FANCONI PANCYTOPENIA, TYPE 3; FACC; FANCC-Related Fanconi Anemia. Identifiers: Orphanet 84, MedGen C3468041, MONDO:0009213, OMIM 227645.

Allele frequency attached by ClinVar (database versions not stated): 1000 Genomes Project 0.02336; 1000 Genomes Project 30x 0.02405; TOPMed 0.02821; ESP Exome Variant Server 0.02961.
gnomAD v4.1: 7,415 of 1,611,208 alleles (0.46%); highest among the groups gnomAD compares: African/African-American, 8.8%; 316 homozygotes.

Submissions (5):

Illumina Laboratory Services, Illumina
Classification: Benign for Fanconi anemia complementation group C. Last evaluated: 2018-01-12. Review status: criteria provided, single submitter. Criteria: ICSL Variant Classification Criteria 13 December 2019. Collection method: clinical testing. Allele origin: germline.
Comment: This variant was observed in the ICSL laboratory as part of a predisposition screen in an ostensibly healthy population. It had not been previously curated by ICSL or reported in the Human Gene Mutation Database (HGMD: prior to June 1st, 2018), and was therefore a candidate for classification through an automated scoring system. Utilizing variant allele frequency, disease prevalence and penetrance estimates, and inheritance mode, an automated score was calculated to assess if this variant is too frequent to cause the disease. Based on the score and internal cut-off values, a variant classified as benign is not then subjected to further curation. The score for this variant resulted in a classification of benign for this disease.

GeneDx
Classification: Benign. Last evaluated: 2015-03-03. Review status: criteria provided, single submitter. Criteria: GeneDx Variant Classification Process June 2021. Collection method: clinical testing. Allele origin: germline. Affected: yes.

Breakthrough Genomics
Classification: Benign. Review status: criteria provided, single submitter. Criteria: ACMG Guidelines, 2015. Collection method: not provided. Allele origin: germline. Inheritance: Autosomal recessive inheritance. Affected: yes.

PreventionGenetics, part of Exact Sciences
Classification: Benign. Review status: criteria provided, single submitter. Criteria: ACMG Guidelines, 2015. Collection method: clinical testing. Allele origin: germline.

Leiden Open Variation Database
Classification: Uncertain significance. Last evaluated: 2020-02-28. Review status: no assertion criteria provided. Collection method: curation. Allele origin: germline. Affected: yes. Not counted in ClinVar's aggregate classification.
Comment: Curator: Arleen D. Auerbach. Submitter to LOVD: Arleen D. Auerbach.

Literature cited by the submitters: PubMed 08844212 (cited by Leiden Open Variation Database).

NM_000136.3(FANCC):c.*42G>A

Genes: FANCC (FA complementation group C; minus strand), AOPEP (aminopeptidase O (putative); plus strand). Cytogenetic location: 9q22.32.
Variant type: single nucleotide variant.
Coding change: c.*42G>A on transcript NM_000136.3 (MANE Select); 42 bases downstream of the stop codon, G replaced by A.
Molecular consequence: 3 prime UTR variant.
Genome position (GRCh38, 1-based): chr9:95,101,665, C>T on the plus strand (G>A on the coding strand, the complement: FANCC is on the minus strand). VCF-style: chr9-95101665-C-T. GRCh37 (hg19) VCF-style: chr9-97863947-C-T.
Other names: c.1677+42G>A (NM_000136.2); c.*42G>A (NM_001243743.2).
Identifiers: ClinVar variation 255272 (VCV000255272.10), dbSNP rs7029888, ClinGen allele CA5137268.